The following is an entry in ClinVar:

ClinVar aggregate classification (germline): Pathogenic. Review status: criteria provided, multiple submitters, no conflicts (2 of 4 stars). 3 submissions from 3 submitters: Pathogenic (3). Last evaluated 2026-04-24.

Conditions:
CEP290-related ciliopathy. Also called: CEP290 ciliopathy. Identifiers: MedGen CN305601, MONDO:0100451.
Meckel-Gruber syndrome. Also called: DYSENCEPHALIA SPLANCHNOCYSTICA; GRUBER SYNDROME; Dysencephalia splachnocystica. Identifiers: Orphanet 564, MedGen C0265215, MONDO:0018921.
Nephronophthisis. Also called: Juvenile Nephronophthisis. Identifiers: Orphanet 655, MedGen C0687120, MONDO:0019005, HP:0000090.
Joubert syndrome. Also called: JOUBERT-BOLTSHAUSER SYNDROME; Familial aplasia of the vermis. Identifiers: Orphanet 475, MedGen C5979921, MONDO:0018772.
CEP290-related disorder. Also called: CEP290-related condition; CEP290-related disorders. Identifiers: MedGen CN239314.

Submissions (3):

PreventionGenetics, part of Exact Sciences
Classification: Pathogenic for CEP290-related condition. Last evaluated: 2026-04-24. Review status: criteria provided, single submitter. Criteria: ACMG Guidelines, 2015. Collection method: clinical testing. Allele origin: germline.
Comment: The CEP290 c.5584C>T variant is predicted to result in premature protein termination (p.Gln1862*). To our knowledge, this variant has not been reported in the literature or in a large population database (gnomAD), indicating this variant is rare. Nonsense variants in CEP290 are expected to be pathogenic. This variant is interpreted as pathogenic.

Myriad Genetics, Inc.
Classification: Pathogenic for CEP290-related ciliopathy. Last evaluated: 2024-07-20. Review status: criteria provided, single submitter. Criteria: Myriad Autosomal Dominant, Autosomal Recessive and X-Linked Classification Criteria (2023). Collection method: clinical testing. Allele origin: unknown.
Comment: NM_025114.3(CEP290):c.5584C>T(Q1862*) is expected to be pathogenic in the context of CEP290-related disorders. This variant is predicted to lead to an abnormal or absent protein product due to the creation of a premature termination codon in CEP290, a gene where loss-of-function variants are known to be pathogenic. Please note: this variant was assessed in the context of healthy population screening.

Labcorp Genetics (formerly Invitae), Labcorp
Classification: Pathogenic for Joubert syndrome; Meckel-Gruber syndrome; Nephronophthisis. Last evaluated: 2022-03-11. Review status: criteria provided, single submitter. Criteria: Invitae Variant Classification Sherloc (09022015). Collection method: clinical testing. Allele origin: germline.
Comment: This variant is not present in population databases (gnomAD no frequency). For these reasons, this variant has been classified as Pathogenic. This variant has not been reported in the literature in individuals affected with CEP290-related conditions. This sequence change creates a premature translational stop signal (p.Gln1862*) in the CEP290 gene. It is expected to result in an absent or disrupted protein product. Loss-of-function variants in CEP290 are known to be pathogenic (PMID: 16909394, 17345604, 20690115).

Literature cited by the submitters: PubMed 16909394 (cited by Labcorp Genetics (formerly Invitae), Labcorp); PubMed 17345604 (cited by Labcorp Genetics (formerly Invitae), Labcorp); PubMed 20690115 (cited by Labcorp Genetics (formerly Invitae), Labcorp).

NM_025114.4(CEP290):c.5584C>T (p.Gln1862Ter)

Gene: CEP290 (centrosomal protein 290; minus strand). Cytogenetic location: 12q21.32.
Variant type: single nucleotide variant.
Coding change: c.5584C>T on transcript NM_025114.4 (MANE Select); coding-DNA position 5584, C replaced by T.
Protein change: p.Gln1862Ter; replaces glutamine 1862 with a stop codon.
Molecular consequence: nonsense.
Genome position (GRCh38, 1-based): chr12:88,077,699, G>A on the plus strand (C>T on the coding strand, the complement: CEP290 is on the minus strand). VCF-style: chr12-88077699-G-A. GRCh37 (hg19) VCF-style: chr12-88471476-G-A.
Other names: c.5584C>T (NM_025114.3); short protein forms Q1862*.
Identifiers: ClinVar variation 2178878 (VCV002178878.6), dbSNP rs2499853126, ClinGen allele CA385988009.